The following is an entry in ClinVar:

NM_001369369.1(FOXN1):c.802C>G (p.Leu268Val)

Gene: FOXN1 (forkhead box N1; plus strand). Cytogenetic location: 17q11.2.
Variant type: single nucleotide variant.
Coding change: c.802C>G on transcript NM_001369369.1 (MANE Select); coding-DNA position 802, C replaced by G.
Protein change: p.Leu268Val; replaces leucine 268 with valine.
Molecular consequence: missense variant.
Genome position (GRCh38, 1-based): chr17:28,529,196, C>G. VCF-style: chr17-28529196-C-G. GRCh37 (hg19) VCF-style: chr17-26856214-C-G.
Other names: c.802C>G, p.Leu268Val (NM_003593.3); short protein forms L268V.
Identifiers: ClinVar variation 2988532 (VCV002988532.3), dbSNP rs200543302, ClinGen allele CA289118158.
Genomic context (GRCh38, chr17:28,529,196, plus strand): 5'-TCCTCACACTATCAGTACCAGCGAATGGCACCCCAGGCCAGCACCGATGGGCACCAGCCT[C>G]TCTTCCCAAAACCCATCTATTCCTACAGGTACATTTCCCACTCTCCAGGGATGGGAGGAG-3'
Protein context (NP_001356298.1, residues 258-278): PQASTDGHQP[Leu268Val]FPKPIYSYSI

ClinVar aggregate classification (germline): Uncertain significance (1 of 4 stars; one submission).

Conditions:
T-cell immunodeficiency, congenital alopecia, and nail dystrophy. Also called: Congenital alopecia and nail dystrophy associated with severe functional T-cell immunodeficiency; Pignata Guarino syndrome. Identifiers: Orphanet 169095, MedGen C1866426, MONDO:0011132, OMIM 601705.

Allele frequency attached by ClinVar (database versions not stated): gnomAD 0.00001; TOPMed 0.00001.
gnomAD v4.1: 4 of 1,614,086 alleles (0.00025%); highest among the groups gnomAD compares: Non-Finnish European, 0.00034%; no homozygotes.

Submission:

Labcorp Genetics (formerly Invitae), Labcorp
Classification: Uncertain significance for T-cell immunodeficiency, congenital alopecia, and nail dystrophy. Last evaluated: 2025-01-06. Review status: criteria provided, single submitter. Criteria: Invitae Variant Classification Sherloc (09022015). Collection method: clinical testing. Allele origin: germline.
Comment: This sequence change replaces leucine, which is neutral and non-polar, with valine, which is neutral and non-polar, at codon 268 of the FOXN1 protein (p.Leu268Val). This variant is not present in population databases (gnomAD no frequency). This variant has not been reported in the literature in individuals affected with FOXN1-related conditions. ClinVar contains an entry for this variant (Variation ID: 2988532). Invitae Evidence Modeling of protein sequence and biophysical properties (such as structural, functional, and spatial information, amino acid conservation, physicochemical variation, residue mobility, and thermodynamic stability) indicates that this missense variant is not expected to disrupt FOXN1 protein function with a negative predictive value of 80%. In summary, the available evidence is currently insufficient to determine the role of this variant in disease. Therefore, it has been classified as a Variant of Uncertain Significance.